The following is an entry in ClinVar:

ClinVar aggregate classification (germline): Uncertain significance (1 of 4 stars; one submission).

Conditions:
MHC class II deficiency. Also called: BLS, TYPE II; Bare lymphocyte syndrome 2. Identifiers: Orphanet 572, MedGen C5447452, MONDO:0008855.

Allele frequency attached by ClinVar (database versions not stated): ExAC 0.00001.
gnomAD v4.1: 9 of 1,609,274 alleles (0.00056%); highest among the groups gnomAD compares: African/African-American, 0.0027%; no homozygotes.

Submission:

Labcorp Genetics (formerly Invitae), Labcorp
Classification: Uncertain significance for MHC class II deficiency. Last evaluated: 2021-09-16. Review status: criteria provided, single submitter. Criteria: Invitae Variant Classification Sherloc (09022015). Collection method: clinical testing. Allele origin: germline.
Comment: This sequence change affects codon 99 of the CIITA mRNA. It is a 'silent' change, meaning that it does not change the encoded amino acid sequence of the CIITA protein. This variant is present in population databases (rs757438997, ExAC 0.01%). This variant has not been reported in the literature in individuals affected with CIITA-related conditions. Algorithms developed to predict the effect of sequence changes on RNA splicing suggest that this variant may create or strengthen a splice site. In summary, the available evidence is currently insufficient to determine the role of this variant in disease. Therefore, it has been classified as a Variant of Uncertain Significance.

NM_000246.4(CIITA):c.297G>A (p.Ala99=)

Gene: CIITA (class II major histocompatibility complex transactivator; plus strand). Cytogenetic location: 16p13.13.
Variant type: single nucleotide variant.
Coding change: c.297G>A on transcript NM_000246.4 (MANE Select); coding-DNA position 297, G replaced by A.
Protein change: p.Ala99=; no amino-acid change (alanine 99 retained).
Molecular consequence: synonymous variant. On other transcripts: non-coding transcript variant (1).
Genome position (GRCh38, 1-based): chr16:10,898,671, G>A. VCF-style: chr16-10898671-G-A. GRCh37 (hg19) VCF-style: chr16-10992528-G-A.
Other names: c.297G>A, p.Ala99= (NM_001286402.1, NM_001286403.2, NM_001379330.1 and 3 more transcripts); c.225G>A, p.Ala75= (NM_001379334.1).
Identifiers: ClinVar variation 1402992 (VCV001402992.5), dbSNP rs757438997, ClinGen allele CA7899660.